The following is an entry in ClinVar:

NM_203487.3(PCDH9):c.3036+23C>A

Gene: PCDH9 (protocadherin 9; minus strand). Cytogenetic location: 13q21.32.
Variant type: single nucleotide variant.
Coding change: c.3036+23C>A on transcript NM_203487.3 (MANE Select); 23 bases into the intron after coding-DNA position 3036, C replaced by A.
Molecular consequence: intron variant. On other transcripts: missense variant (1).
Genome position (GRCh38, 1-based): chr13:67,225,382, G>T on the plus strand (C>A on the coding strand, the complement: PCDH9 is on the minus strand). VCF-style: chr13-67225382-G-T. GRCh37 (hg19) VCF-style: chr13-67799514-G-T.
Other names: c.3059C>A, p.Ser1020Tyr (NM_001318374.2); c.3036+23C>A (NM_001318373.2, NM_020403.5, NM_001318372.2); short protein forms S1020Y.
Identifiers: ClinVar variation 3032070 (VCV003032070.2), dbSNP rs2502330210, ClinGen allele CA388296304.

ClinVar aggregate classification (germline): Uncertain significance (0 of 4 stars; one submission).

Conditions:
PCDH9-related disorder. Also called: PCDH9-related condition.

Submission:

PreventionGenetics, part of Exact Sciences
Classification: Uncertain significance for PCDH9-related condition. Last evaluated: 2024-02-15. Review status: no assertion criteria provided. Collection method: clinical testing. Allele origin: germline.
Comment: The PCDH9 c.3059C>A variant is predicted to result in the amino acid substitution p.Ser1020Tyr. To our knowledge, this variant has not been reported in the literature or in a large population database, indicating this variant is rare. At this time, the clinical significance of this variant is uncertain due to the absence of conclusive functional and genetic evidence.